The following is an entry in ClinVar:

NM_000143.4(FH):c.484A>G (p.Ile162Val)

Gene: FH (fumarate hydratase; minus strand). Cytogenetic location: 1q43.
Variant type: single nucleotide variant.
Coding change: c.484A>G on transcript NM_000143.4 (MANE Select); coding-DNA position 484, A replaced by G.
Protein change: p.Ile162Val; replaces isoleucine 162 with valine.
Molecular consequence: missense variant.
Genome position (GRCh38, 1-based): chr1:241,512,038, T>C on the plus strand (A>G on the coding strand, the complement: FH is on the minus strand). VCF-style: chr1-241512038-T-C. GRCh37 (hg19) VCF-style: chr1-241675338-T-C.
Other names: c.484A>G (NM_000143.3); short protein forms I162V.
Identifiers: ClinVar variation 1389359 (VCV001389359.5), dbSNP rs2147921864, ClinGen allele CA345440001.

ClinVar aggregate classification (germline): Uncertain significance. Review status: criteria provided, multiple submitters, no conflicts (2 of 4 stars). 2 submissions from 2 submitters: Uncertain significance (2). Last evaluated 2026-07-07.

Conditions:
Hereditary cancer-predisposing syndrome. Also called: Hereditary Cancer Syndrome; Neoplastic Syndromes, Hereditary; Hereditary neoplastic syndrome; Tumor predisposition. Identifiers: Orphanet 140162, MedGen C0027672, MeSH D009386, MONDO:0015356.

Submissions (2):

Ambry Genetics
Classification: Uncertain significance for Hereditary cancer-predisposing syndrome. Last evaluated: 2026-07-07. Review status: criteria provided, single submitter. Criteria: Ambry Variant Classification Scheme 2023. Collection method: clinical testing. Allele origin: germline.
Comment: The p.I162V variant (also known as c.484A>G), located in coding exon 4 of the FH gene, results from an A to G substitution at nucleotide position 484. The isoleucine at codon 162 is replaced by valine, an amino acid with highly similar properties. This amino acid position is conserved. In addition, this alteration is predicted to be deleterious by in silico analysis. Based on the available evidence, the clinical significance of this variant remains unclear.

Labcorp Genetics (formerly Invitae), Labcorp
Classification: Uncertain significance. Last evaluated: 2022-10-13. Review status: criteria provided, single submitter. Criteria: Invitae Variant Classification Sherloc (09022015). Collection method: clinical testing. Allele origin: germline.
Comment: Advanced modeling of protein sequence and biophysical properties (such as structural, functional, and spatial information, amino acid conservation, physicochemical variation, residue mobility, and thermodynamic stability) performed at Invitae indicates that this missense variant is expected to disrupt FH protein function. In summary, the available evidence is currently insufficient to determine the role of this variant in disease. Therefore, it has been classified as a Variant of Uncertain Significance. ClinVar contains an entry for this variant (Variation ID: 1389359). This variant has not been reported in the literature in individuals affected with FH-related conditions. This variant is not present in population databases (gnomAD no frequency). This sequence change replaces isoleucine, which is neutral and non-polar, with valine, which is neutral and non-polar, at codon 162 of the FH protein (p.Ile162Val).